The following is an entry in ClinVar:

NM_006648.4(WNK2):c.5152C>A (p.Pro1718Thr)

Gene: WNK2 (WNK lysine deficient protein kinase 2; plus strand). Cytogenetic location: 9q22.31.
Variant type: single nucleotide variant.
Coding change: c.5152C>A on transcript NM_006648.4 (MANE Select); coding-DNA position 5152, C replaced by A.
Protein change: p.Pro1718Thr; replaces proline 1718 with threonine.
Molecular consequence: missense variant.
Genome position (GRCh38, 1-based): chr9:93,292,617, C>A. VCF-style: chr9-93292617-C-A. GRCh37 (hg19) VCF-style: chr9-96054899-C-A.
Other names: c.5263C>A, p.Pro1755Thr (NM_001282394.3); short protein forms P1718T, P1755T.
Identifiers: ClinVar variation 3981816 (VCV003981816.1).
Genomic context (GRCh38, chr9:93,292,617, plus strand): 5'-GAAAGCTCGGCAGAGCCCCCGCCGAGTGACATGGGCACAGTGGGGGGCCAGGCTAGCCAC[C>A]CCCAGACACTCGGCGCTCGAGCTTTGGGGTCCCCTCGGAAACGTCCAGAGCAGCAGGATG-3'
Protein context (NP_006639.3, residues 1708-1728): MGTVGGQASH[Pro1718Thr]QTLGARALGS

ClinVar aggregate classification (germline): Uncertain significance (1 of 4 stars; one submission).

gnomAD v4.1: 1 of 1,584,728 alleles (0.000063%); highest among the groups gnomAD compares: Admixed American, 0.0018%; no homozygotes.

Submission:

Ambry Genetics
Classification: Uncertain significance. Last evaluated: 2025-04-06. Review status: criteria provided, single submitter. Criteria: Ambry Variant Classification Scheme 2023. Collection method: clinical testing. Allele origin: germline.
Comment: The p.P1718T variant (also known as c.5152C>A), located in coding exon 22 of the WNK2 gene, results from a C to A substitution at nucleotide position 5152. The proline at codon 1718 is replaced by threonine, an amino acid with highly similar properties. This amino acid position is conserved. In addition, this alteration is predicted to be tolerated by in silico analysis. Based on the available evidence, the clinical significance of this variant remains unclear.